The following is an entry in ClinVar:

NM_020975.6(RET):c.3284T>A (p.Val1095Glu)

Gene: RET (ret proto-oncogene; plus strand). Cytogenetic location: 10q11.21.
Variant type: single nucleotide variant.
Coding change: c.3284T>A on transcript NM_020975.6 (MANE Select); coding-DNA position 3284, T replaced by A.
Protein change: p.Val1095Glu; replaces valine 1095 with glutamic acid.
Molecular consequence: missense variant. On other transcripts: 3 prime UTR variant (18), intron variant (3).
Genome position (GRCh38, 1-based): chr10:43,128,208, T>A. VCF-style: chr10-43128208-T-A. GRCh37 (hg19) VCF-style: chr10-43623656-T-A.
Other names: c.3284T>A, p.Val1095Glu (NM_000323.2, NM_001406743.1); c.*1454T>A (NM_001355216.2, NM_001406772.1, NM_001406773.1 and 15 more transcripts); c.3224T>A, p.Val1075Glu (NM_001406759.1, NM_001406760.1); c.2846T>A, p.Val949Glu (NM_001406771.1); c.2558T>A, p.Val853Glu (NM_001406775.1); c.2498T>A, p.Val833Glu (NM_001406777.1); c.2387T>A, p.Val796Glu (NM_001406779.1, NM_001406780.1); c.2258T>A, p.Val753Glu (NM_001406783.1); and 10 more; short protein forms V612E, V700E, V753E, V833E, V949E, V1050E, V1052E, V796E.
Identifiers: ClinVar variation 2702807 (VCV002702807.4), dbSNP rs2538662309, ClinGen allele CA376559136.
Genomic context (GRCh38, chr10:43,128,208, plus strand): 5'-TACCACTCACGAGAGCTGATGGCACTAACACTGGGTTTCCAAGATATCCAAATGATAGTG[T>A]ATATGCTAACTGGATGCTTTCACCCTCAGCGGCAAAATTAATGGACACGTTTGATAGTTA-3'
Protein context (NP_066124.1, residues 1085-1105): TGFPRYPNDS[Val1095Glu]YANWMLSPSA

ClinVar aggregate classification (germline): Uncertain significance. Review status: criteria provided, multiple submitters, no conflicts (2 of 4 stars). 2 submissions from 2 submitters: Uncertain significance (2). Last evaluated 2026-05-21.

Conditions:
Hereditary cancer-predisposing syndrome. Also called: Tumor predisposition; Hereditary neoplastic syndrome; Neoplastic Syndromes, Hereditary; Hereditary Cancer Syndrome. Identifiers: Orphanet 140162, MedGen C0027672, MeSH D009386, MONDO:0015356.
Multiple endocrine neoplasia, type 2 (MEN2). Identifiers: Orphanet 653, MedGen C4048306, MONDO:0019003. Disease mechanism: gain of function.

Allele frequency attached by ClinVar (database versions not stated): gnomAD exomes below 0.00001.
gnomAD v4.1: 1 of 1,614,182 alleles (0.000062%); highest among the groups gnomAD compares: Non-Finnish European, 0.000085%; no homozygotes.

Submissions (2):

Ambry Genetics
Classification: Uncertain significance for Hereditary cancer-predisposing syndrome. Last evaluated: 2026-05-21. Review status: criteria provided, single submitter. Criteria: Ambry Variant Classification Scheme 2023. Collection method: clinical testing. Allele origin: germline.
Comment: The p.V1095E variant (also known as c.3284T>A), located in coding exon 20 of the RET gene, results from a T to A substitution at nucleotide position 3284. The valine at codon 1095 is replaced by glutamic acid, an amino acid with dissimilar properties. This amino acid position is conserved. In addition, this alteration is predicted to be deleterious by in silico analysis. Based on the available evidence, the clinical significance of this variant remains unclear.

Labcorp Genetics (formerly Invitae), Labcorp
Classification: Uncertain significance for Multiple endocrine neoplasia, type 2. Last evaluated: 2024-02-27. Review status: criteria provided, single submitter. Criteria: Invitae Variant Classification Sherloc (09022015). Collection method: clinical testing. Allele origin: germline.
Comment: This sequence change replaces valine, which is neutral and non-polar, with glutamic acid, which is acidic and polar, at codon 1095 of the RET protein (p.Val1095Glu). This variant is not present in population databases (gnomAD no frequency). This variant has not been reported in the literature in individuals affected with RET-related conditions. An algorithm developed to predict the effect of missense changes on protein structure and function (PolyPhen-2) suggests that this variant is likely to be disruptive. In summary, the available evidence is currently insufficient to determine the role of this variant in disease. Therefore, it has been classified as a Variant of Uncertain Significance.